The following is an entry in ClinVar:

NM_001029896.2(WDR45):c.973+1_973+3del

Gene: WDR45 (WD repeat domain 45; minus strand). Cytogenetic location: Xp11.23.
Variant type: Deletion.
Coding change: c.973+1_973+3del on transcript NM_001029896.2 (MANE Select); the canonical splice donor site of the intron after coding-DNA position 973 through 3 bases into the intron after coding-DNA position 973, 3 bases deleted (GTG; older notation c.973+1_973+3delGTG).
Molecular consequence: splice donor variant.
Genome position (GRCh38, 1-based): chrX:49,075,133-49,075,135, CAC deleted on the plus strand (GTG on the coding strand, the reverse complement: WDR45 is on the minus strand); deleting any 3 consecutive bases within chrX:49,075,133-49,075,137 gives the same sequence; the c. name uses the placement nearest the transcript's 3' end. VCF-style (leftmost placement, unchanged base first): chrX-49075132-TCAC-T. GRCh37 (hg19) VCF-style: chrX-48932791-TCAC-T.
Other names: c.976+1_976+3del (NM_007075.4).
Identifiers: ClinVar variation 2845952 (VCV002845952.3), dbSNP rs2520260012, ClinGen allele CA2739273491.

ClinVar aggregate classification (germline): Likely pathogenic (1 of 4 stars; one submission).

Conditions:
Neurodegeneration with brain iron accumulation 5 (NBIA5). Also called: Beta-propeller protein-associated neurodegeneration; STATIC ENCEPHALOPATHY OF CHILDHOOD WITH NEURODEGENERATION IN ADULTHOOD. Identifiers: Orphanet 329284, MedGen C3550973, MONDO:0010476, OMIM 300894.

Submission:

Labcorp Genetics (formerly Invitae), Labcorp
Classification: Likely pathogenic for Neurodegeneration with brain iron accumulation 5. Last evaluated: 2023-03-14. Review status: criteria provided, single submitter. Criteria: Invitae Variant Classification Sherloc (09022015). Collection method: clinical testing. Allele origin: germline.
Comment: In summary, the currently available evidence indicates that the variant is pathogenic, but additional data are needed to prove that conclusively. Therefore, this variant has been classified as Likely Pathogenic. Algorithms developed to predict the effect of sequence changes on RNA splicing suggest that this variant may disrupt the consensus splice site. This variant has not been reported in the literature in individuals affected with WDR45-related conditions. This variant is not present in population databases (gnomAD no frequency). This sequence change affects a splice site in intron 11 of the WDR45 gene. It is expected to disrupt RNA splicing. Variants that disrupt the donor or acceptor splice site typically lead to a loss of protein function (PMID: 16199547), and loss-of-function variants in WDR45 are known to be pathogenic (PMID: 23176820, 24368176, 24621584, 25744623, 26790960, 27030146, 27652284, 28554332).

Literature cited by the submitters: PubMed 16199547; PubMed 23176820; PubMed 24368176; PubMed 24621584; PubMed 25744623; PubMed 26790960; PubMed 27030146; PubMed 27652284; PubMed 28554332.